The following is an entry in ClinVar:

ClinVar aggregate classification (germline): Likely pathogenic (1 of 4 stars; one submission).

Conditions:
Cardiovascular phenotype. Identifiers: MedGen CN230736.

Submission:

Ambry Genetics
Classification: Likely pathogenic for Cardiovascular phenotype. Last evaluated: 2024-09-10. Review status: criteria provided, single submitter. Criteria: Ambry Variant Classification Scheme 2023. Collection method: clinical testing. Allele origin: germline.
Comment: The c.35077delG variant, located in coding exon 131 of the TTN gene, results from a deletion of one nucleotide at nucleotide position 35077, causing a translational frameshift with a predicted alternate stop codon (p.E11693Rfs*5). This exon is located in the A-band region of the N2-B isoform of the titin protein and is constitutively expressed in TTN transcripts (percent spliced in or PSI 100%). This variant is considered to be rare based on population cohorts in the Genome Aggregation Database (gnomAD). This alteration is expected to result in loss of function by premature protein truncation or nonsense-mediated mRNA decay. While truncating variants in TTN are present in 1-3% of the general population, truncating variants in the A-band are the most common cause of dilated cardiomyopathy (DCM) (Herman DS et al. N. Engl. J. Med., 2012 Feb;366:619-28; Roberts AM et al. Sci Transl Med, 2015 Jan;7:270ra6). TTN truncating variants encoded in constitutive exons (PSI >90%) have been found to be significantly associated with DCM regardless of their position in titin (Schafer S et al. Nat. Genet., 2017 01;49:46-53). Based on the majority of available evidence to date, this variant is likely to be pathogenic.

NM_001267550.2(TTN):c.62272del (p.Glu20758fs)

Genes: TTN (titin; minus strand), TTN-AS1 (TTN antisense RNA 1; plus strand). Cytogenetic location: 2q31.2.
Variant type: Deletion.
Coding change: c.62272del on transcript NM_001267550.2 (MANE Select); coding-DNA position 62272, one base deleted (G; older notation c.62272delG).
Protein change: p.Glu20758fs; shifts the reading frame from glutamic acid 20758.
Molecular consequence: frameshift variant.
Genome position (GRCh38, 1-based): chr2:178,589,453, C deleted on the plus strand (G on the coding strand, the reverse complement: TTN is on the minus strand). VCF-style (leftmost placement, unchanged base first): chr2-178589452-TC-T. GRCh37 (hg19) VCF-style: chr2-179454179-TC-T.
Other names: c.57349del, p.Glu19117fs (NM_001256850.1); c.35077del, p.Glu11693fs (NM_003319.4); c.54568del, p.Glu18190fs (NM_133378.4); c.35452del, p.Glu11818fs (NM_133432.3); c.35653del, p.Glu11885fs (NM_133437.4); c.35077delG (NM_003319.4); short protein forms E11693fs, E11818fs, E18190fs, E11885fs, E20758fs, E19117fs.
Identifiers: ClinVar variation 3463769 (VCV003463769.1).